The following is an entry in ClinVar:

NM_001009944.3(PKD1):c.5882_5927del (p.Ala1961fs)

Gene: PKD1 (polycystin 1, transient receptor potential channel interacting; minus strand). Cytogenetic location: 16p13.3.
Variant type: Deletion.
Coding change: c.5882_5927del on transcript NM_001009944.3 (MANE Select); coding-DNA positions 5882 to 5927, 46 bases deleted.
Protein change: p.Ala1961fs; shifts the reading frame from alanine 1961.
Molecular consequence: frameshift variant.
Genome position (GRCh38, 1-based): chr16:2,109,240-2,109,285, 46 bases deleted. GRCh37 (hg19): chr16:2,159,241-2,159,286.
Other names: c.5882_5927del, p.Ala1961fs (NM_000296.4); c.5882_5927del46 (NM_001009944.3); short protein forms A1961fs.
Identifiers: ClinVar variation 3902600 (VCV003902600.1).

ClinVar aggregate classification (germline): Pathogenic (1 of 4 stars; one submission).

Conditions:
Polycystic kidney disease, adult type (PKD1). Also called: Polycystic Kidney Disease 1, Autosomal Dominant; Polycystic kidney disease 1; Polycystic kidney disease 1, severe; Polycystic Kidney, Autosomal Dominant; POLYCYSTIC KIDNEY DISEASE 1 WITH OR WITHOUT POLYCYSTIC LIVER DISEASE; POLYCYSTIC KIDNEY DISEASE, ADULT, TYPE I. Identifiers: MedGen C3149841, MONDO:0008263, OMIM 173900.

Submission:

Women's Health and Genetics/Laboratory Corporation of America, LabCorp
Classification: Pathogenic for Polycystic kidney disease, adult type. Last evaluated: 2025-05-01. Review status: criteria provided, single submitter. Criteria: LabCorp Variant Classification Summary - May 2015. Collection method: clinical testing. Allele origin: germline.
Comment: Variant summary: PKD1 c.5882_5927del46 (p.Ala1961GlyfsX140) results in a premature termination codon, predicted to cause a truncation of the encoded protein or absence of the protein due to nonsense mediated decay, which are commonly known mechanisms for disease. The variant was absent in 233020 control chromosomes (gnomAD). To our knowledge, no occurrence of c.5882_5927del46 in individuals affected with Polycystic Kidney Disease 1 and no experimental evidence demonstrating its impact on protein function have been reported. No submitters have cited clinical-significance assessments for this variant to ClinVar. Based on the evidence outlined above, the variant was classified as pathogenic.